The following is an entry in ClinVar:

ClinVar aggregate classification (germline): Uncertain significance. Review status: criteria provided, multiple submitters, no conflicts (2 of 4 stars). 2 submissions from 2 submitters: Uncertain significance (2). Last evaluated 2025-12-23.

Conditions:
Perry syndrome. Also called: PARKINSONISM WITH ALVEOLAR HYPOVENTILATION AND MENTAL DEPRESSION. Identifiers: Orphanet 178509, MedGen C1868594, MONDO:0008201, OMIM 168605.
Amyotrophic lateral sclerosis type 1 (ALS1). Also called: AMYOTROPHIC LATERAL SCLEROSIS 1, FAMILIAL. Identifiers: Orphanet 803, MedGen C1862939, MONDO:0007103, OMIM 105400.
Neuronopathy, distal hereditary motor, type 7B. Also called: Distal Hereditary Motor Neuronopathy Type 7B (dHMN7B); HMN VIIB; LOWER MOTOR NEURON DISEASE, DYNACTIN TYPE; NEURONOPATHY, DISTAL HEREDITARY MOTOR, AUTOSOMAL DOMINANT 14; NEURONOPATHY, DISTAL HEREDITARY MOTOR, HARDING TYPE VIIB; NEUROPATHY, DISTAL HEREDITARY MOTOR, HARDING TYPE VIIB. Identifiers: Orphanet 139589, MedGen C1843315, MONDO:0011879, OMIM 607641.

Allele frequency attached by ClinVar (database versions not stated): ExAC 0.00001; gnomAD 0.00001; gnomAD exomes 0.00001; TOPMed 0.00001.
gnomAD v4.1: 4 of 1,614,162 alleles (0.00025%); highest among the groups gnomAD compares: Admixed American, 0.0067%; no homozygotes.

Submissions (2):

Labcorp Genetics (formerly Invitae), Labcorp
Classification: Uncertain significance for Amyotrophic lateral sclerosis type 1; Neuronopathy, distal hereditary motor, type 7B; Perry syndrome. Last evaluated: 2025-12-23. Review status: criteria provided, single submitter. Criteria: Invitae Variant Classification Sherloc (09022015). Collection method: clinical testing. Allele origin: germline.
Comment: This sequence change replaces alanine, which is neutral and non-polar, with threonine, which is neutral and polar, at codon 929 of the DCTN1 protein (p.Ala929Thr). This variant is present in population databases (rs765216385, gnomAD 0.006%). This variant has not been reported in the literature in individuals affected with DCTN1-related conditions. ClinVar contains an entry for this variant (Variation ID: 2430794). Invitae Evidence Modeling of protein sequence and biophysical properties (such as structural, functional, and spatial information, amino acid conservation, physicochemical variation, residue mobility, and thermodynamic stability) indicates that this missense variant is not expected to disrupt DCTN1 protein function with a negative predictive value of 95%. In summary, the available evidence is currently insufficient to determine the role of this variant in disease. Therefore, it has been classified as a Variant of Uncertain Significance.

GeneDx
Classification: Uncertain significance. Last evaluated: 2022-08-16. Review status: criteria provided, single submitter. Criteria: GeneDx Variant Classification Process June 2021. Collection method: clinical testing. Allele origin: germline. Affected: yes.
Comment: In silico analysis supports that this missense variant does not alter protein structure/function; Has not been previously published as pathogenic or benign to our knowledge

NM_004082.5(DCTN1):c.2785G>A (p.Ala929Thr)

Gene: DCTN1 (dynactin subunit 1; minus strand). Cytogenetic location: 2p13.1.
Variant type: single nucleotide variant.
Coding change: c.2785G>A on transcript NM_004082.5 (MANE Select); coding-DNA position 2785, G replaced by A.
Protein change: p.Ala929Thr; replaces alanine 929 with threonine.
Molecular consequence: missense variant. On other transcripts: non-coding transcript variant (1).
Genome position (GRCh38, 1-based): chr2:74,365,994, C>T on the plus strand (G>A on the coding strand, the complement: DCTN1 is on the minus strand). VCF-style: chr2-74365994-C-T. GRCh37 (hg19) VCF-style: chr2-74593121-C-T.
Other names: c.2725G>A, p.Ala909Thr (NM_001135040.3); c.2383G>A, p.Ala795Thr (NM_001135041.3, NM_023019.4); c.2674G>A, p.Ala892Thr (NM_001190836.2); c.2764G>A, p.Ala922Thr (NM_001190837.2); c.2734G>A, p.Ala912Thr (NM_001378991.1); c.2716G>A, p.Ala906Thr (NM_001378992.1); short protein forms A795T, A892T, A906T, A909T, A912T, A922T, A929T.
Identifiers: ClinVar variation 2430794 (VCV002430794.2), dbSNP rs765216385, ClinGen allele CA1721714.
Genomic context (GRCh38, chr2:74,365,994, plus strand): 5'-CTCGATCTTCGAGCTTCAAACCCAGGCCTTCAGCATCTGTGATCTCTGCACGAAGGGCAG[C>T]AGCCCGCAGTTCAACCGGTGGAGGCTAAGGAATGGTCGGTAGGGGGTGAGAAAGTGAGGG-3'
Protein context (NP_004073.2, residues 919-939): SKPPPVELRA[Ala929Thr]ALRAEITDAE